The following is an entry in ClinVar:

ClinVar aggregate classification (germline): Uncertain significance (1 of 4 stars; one submission).

Allele frequency attached by ClinVar (database versions not stated): gnomAD exomes below 0.00001 and 0.00001; TOPMed 0.00001.
gnomAD v4.1: 5 of 1,112,116 alleles (0.00045%); highest among the groups gnomAD compares: South Asian, 0.0013%; no homozygotes.

Submission:

Labcorp Genetics (formerly Invitae), Labcorp
Classification: Uncertain significance. Last evaluated: 2022-11-30. Review status: criteria provided, single submitter. Criteria: Invitae Variant Classification Sherloc (09022015). Collection method: clinical testing. Allele origin: germline.
Comment: This variant is not present in population databases (gnomAD no frequency). This variant has not been reported in the literature in individuals affected with CLTC-related conditions. ClinVar contains an entry for this variant (Variation ID: 838055). Variants that disrupt the consensus splice site are a relatively common cause of aberrant splicing (PMID: 17576681, 9536098). Algorithms developed to predict the effect of sequence changes on RNA splicing suggest that this variant may create or strengthen a splice site. In summary, the available evidence is currently insufficient to determine the role of this variant in disease. Therefore, it has been classified as a Variant of Uncertain Significance. This sequence change falls in intron 15 of the CLTC gene. It does not directly change the encoded amino acid sequence of the CLTC protein. It affects a nucleotide within the consensus splice site.

Literature cited by the submitters: PubMed 17576681; PubMed 9536098.

NM_004859.4(CLTC):c.2418+5G>A

Gene: CLTC (clathrin heavy chain; plus strand). Cytogenetic location: 17q23.1.
Variant type: single nucleotide variant.
Coding change: c.2418+5G>A on transcript NM_004859.4 (MANE Select); 5 bases into the intron after coding-DNA position 2418, G replaced by A.
Molecular consequence: intron variant.
Genome position (GRCh38, 1-based): chr17:59,673,777, G>A. VCF-style: chr17-59673777-G-A. GRCh37 (hg19) VCF-style: chr17-57751138-G-A.
Other names: c.2430+5G>A (NM_001288653.2).
Identifiers: ClinVar variation 838055 (VCV000838055.9), dbSNP rs1223584288, ClinGen allele CA773627779.
Genomic context (GRCh38, chr17:59,673,777, plus strand): 5'-TGCTCTATTTATATAGAAATAATCTTCAAAAGTATATAGAGATATATGTACAGAAGGTAA[G>A]TAATATGTAGGTAATGTAAAGGTATAATCTTACTATAGATTTTATTTCTCATATTCTGGA-3'